The following is an entry in ClinVar:

ClinVar aggregate classification (germline): Uncertain significance (1 of 4 stars; one submission).

Submission:

Labcorp Genetics (formerly Invitae), Labcorp
Classification: Uncertain significance. Last evaluated: 2025-03-03. Review status: criteria provided, single submitter. Criteria: Invitae Variant Classification Sherloc (09022015). Collection method: clinical testing. Allele origin: germline.
Comment: This sequence change replaces lysine, which is basic and polar, with glutamine, which is neutral and polar, at codon 239 of the MBD4 protein (p.Lys239Gln). This variant is not present in population databases (gnomAD no frequency). This variant has not been reported in the literature in individuals affected with MBD4-related conditions. An algorithm developed to predict the effect of missense changes on protein structure and function (PolyPhen-2) suggests that this variant is likely to be disruptive. In summary, the available evidence is currently insufficient to determine the role of this variant in disease. Therefore, it has been classified as a Variant of Uncertain Significance.

NM_001276270.2(MBD4):c.715A>C (p.Lys239Gln)

Gene: MBD4 (methyl-CpG binding domain 4, DNA glycosylase; minus strand). Cytogenetic location: 3q21.3.
Variant type: single nucleotide variant.
Coding change: c.715A>C on transcript NM_001276270.2 (MANE Select); coding-DNA position 715, A replaced by C.
Protein change: p.Lys239Gln; replaces lysine 239 with glutamine.
Molecular consequence: missense variant. On other transcripts: intron variant (1).
Genome position (GRCh38, 1-based): chr3:129,436,929, T>G on the plus strand (A>C on the coding strand, the complement: MBD4 is on the minus strand). VCF-style: chr3-129436929-T-G. GRCh37 (hg19) VCF-style: chr3-129155772-T-G.
Other names: c.715A>C, p.Lys239Gln (NM_001276271.2, NM_001276272.2, NM_003925.3); c.247+879A>C (NM_001276273.2); short protein forms K239Q.
Identifiers: ClinVar variation 4714206 (VCV004714206.1).
Genomic context (GRCh38, chr3:129,436,929, plus strand): 5'-GAACAAAACCTGAACAGCTCTTCCTACATCCTTTTTTAGTTTTCTTAATTGGGATTCCTT[T>G]CAAAATAGTCACCTTTCCTTTGGGCTTTCTAACCTTTCTGAAGTTAACATCATCAACACC-3'
Protein context (NP_001263199.1, residues 229-249): RKPKGKVTIL[Lys239Gln]GIPIKKTKKG